The following is an entry in ClinVar:

NM_212552.3(BOLA3):c.97dup (p.Glu33fs)

Gene: BOLA3 (bolA family member 3; minus strand). Cytogenetic location: 2p13.1.
Variant type: Duplication.
Coding change: c.97dup on transcript NM_212552.3 (MANE Select); coding-DNA position 97, one base duplicated (G; older notation c.97dupG).
Protein change: p.Glu33fs; shifts the reading frame from glutamic acid 33.
Molecular consequence: frameshift variant.
Genome position (GRCh38, 1-based): chr2:74,145,261, C duplicated on the plus strand (G on the coding strand, the reverse complement: BOLA3 is on the minus strand); the first of 5 consecutive C bases (chr2:74,145,261-74,145,265); duplicating any one gives the same sequence. VCF-style (leftmost placement, unchanged base first): chr2-74145260-T-TC. GRCh37 (hg19) VCF-style: chr2-74372387-T-TC.
Other names: c.97dup, p.Glu33fs (NM_001035505.2); short protein forms E33fs.
Identifiers: ClinVar variation 4852256 (VCV004852256.1).
Genomic context (GRCh38, chr2:74,145,260, plus strand): 5'-GTGACTTTTATAGCTGTAGCTCGTGGAAACTTTTCTTTGAGAATTTGGGTCACTCTGAGC[T>TC]CCCCCTCAGTCTGAGTGGCAAACATCCGATGGTGAAGTGGAAGCTGCCACAGAACAGAGA-3'

ClinVar aggregate classification (germline): Likely pathogenic (1 of 4 stars; one submission).

Conditions:
Multiple mitochondrial dysfunctions syndrome 2 (MMDS2). Also called: MULTIPLE MITOCHONDRIAL DYSFUNCTIONS SYNDROME 2 WITH HYPERGLYCINEMIA. Identifiers: Orphanet 401874, MedGen C3280378, MONDO:0013675, OMIM 614299.

Submission:

Variantyx, Inc.
Classification: Likely pathogenic for Multiple mitochondrial dysfunctions syndrome 2. Last evaluated: 2025-12-16. Review status: criteria provided, single submitter. Criteria: Variantyx Assertion Criteria 2022. Collection method: clinical testing. Allele origin: germline. Inheritance: Autosomal recessive inheritance.
Comment: This is a frameshift variant in the BOLA3 gene (OMIM: 613183). Pathogenic variants in this gene have been associated with autosomal recessive multiple mitochondrial dysfunctions syndrome 2. This variant introduces a premature termination codon in exon 2 out of 4 and is expected to result in loss of function, which is a known disease mechanism for BOLA3 in this disorder (PMID: 21944046, 24334290, 26741492) (PVS1). This variant has a 0.0022% maximum allele frequency in non-founder control populations (PM2), and it has not been reported in individuals with BOLA3-related disorders in the databases available for review. Based on the current evidence, this variant is classified as likely pathogenic for autosomal recessive multiple mitochondrial dysfunctions syndrome 2.

Literature cited by the submitters: PubMed 21944046; PubMed 24334290; PubMed 26741492.